The following is an entry in ClinVar:

ClinVar aggregate classification (germline): Pathogenic (1 of 4 stars; one submission).

Conditions:
Fanconi anemia (FA). Also called: Fanconi's anemia. Identifiers: Orphanet 84, MedGen C0015625, MeSH D005199, MONDO:0019391.

Allele frequency attached by ClinVar (database versions not stated): gnomAD exomes below 0.00001.
gnomAD v4.1: 2 of 1,613,464 alleles (0.00012%); highest among the groups gnomAD compares: Non-Finnish European, 0.00017%; no homozygotes.

Submission:

Labcorp Genetics (formerly Invitae), Labcorp
Classification: Pathogenic for Fanconi anemia. Last evaluated: 2025-07-09. Review status: criteria provided, single submitter. Criteria: Invitae Variant Classification Sherloc (09022015). Collection method: clinical testing. Allele origin: germline.
Comment: This sequence change affects a donor splice site in intron 32 of the FANCA gene. It is expected to disrupt RNA splicing. Variants that disrupt the donor or acceptor splice site typically lead to a loss of protein function (PMID: 16199547), and loss-of-function variants in FANCA are known to be pathogenic (PMID: 19367192). This variant is not present in population databases (gnomAD no frequency). Disruption of this splice site has been observed in individuals with clinical features of Fanconi anemia (PMID: 21659346; internal data). ClinVar contains an entry for this variant (Variation ID: 1076022). Algorithms developed to predict the effect of sequence changes on RNA splicing suggest that this variant may disrupt the consensus splice site. For these reasons, this variant has been classified as Pathogenic.

Literature cited by the submitters: PubMed 16199547; PubMed 19367192; PubMed 21659346.

NM_000135.4(FANCA):c.3239+1G>A

Gene: FANCA (FA complementation group A; minus strand). Cytogenetic location: 16q24.3.
Variant type: single nucleotide variant.
Coding change: c.3239+1G>A on transcript NM_000135.4 (MANE Select); the canonical splice donor site of the intron after coding-DNA position 3239, G replaced by A.
Molecular consequence: splice donor variant.
Genome position (GRCh38, 1-based): chr16:89,749,729, C>T on the plus strand (G>A on the coding strand, the complement: FANCA is on the minus strand). VCF-style: chr16-89749729-C-T. GRCh37 (hg19) VCF-style: chr16-89816137-C-T.
Other names: c.3239+1G>A (NM_001286167.3).
Identifiers: ClinVar variation 1076022 (VCV001076022.9), dbSNP rs2143137762, ClinGen allele CA397486416.
Genomic context (GRCh38, chr16:89,749,729, plus strand): 5'-CGTCATGAGATGCTGCCCTGCCCAGGTGGTGCTGCCCTGCCCAGGTGGTAGTAGGTGTTA[C>T]CGTTTGTACATTAGCAGCTCCCTCTGTCTCTGAAGGCTGGCAGCCACGCTCCACCCGCTT-3'